The following is an entry in ClinVar:

ClinVar aggregate classification (germline): Conflicting classifications of pathogenicity. Review status: criteria provided, conflicting classifications (1 of 4 stars). 4 submissions from 4 submitters: Uncertain significance (3); Likely benign (1). Last evaluated 2023-12-17.

Conditions:
Hereditary cancer-predisposing syndrome. Also called: Tumor predisposition; Neoplastic Syndromes, Hereditary; Hereditary neoplastic syndrome; Hereditary Cancer Syndrome. Identifiers: Orphanet 140162, MedGen C0027672, MeSH D009386, MONDO:0015356.
Hereditary breast ovarian cancer syndrome. Also called: Breast and ovarian cancer; BRCA1- and BRCA2-Associated Hereditary Breast and Ovarian Cancer; Hereditary breast and ovarian cancer syndrome (HBOC); Hereditary breast and ovarian cancer; Hereditary breast and/or ovarian cancer syndrome; Hereditary breast and ovarian cancer syndrome. Identifiers: Orphanet 145, MedGen C0677776, MeSH D061325, MONDO:0003582. Disease mechanism: loss of function.

Submissions (4):

Labcorp Genetics (formerly Invitae), Labcorp
Classification: Uncertain significance for Hereditary breast ovarian cancer syndrome. Last evaluated: 2023-12-17. Review status: criteria provided, single submitter. Criteria: Invitae Variant Classification Sherloc (09022015). Collection method: clinical testing. Allele origin: germline.
Comment: This sequence change replaces proline, which is neutral and non-polar, with serine, which is neutral and polar, at codon 985 of the BRCA1 protein (p.Pro985Ser). This variant is not present in population databases (gnomAD no frequency). This variant has not been reported in the literature in individuals affected with BRCA1-related conditions. ClinVar contains an entry for this variant (Variation ID: 496360). Advanced modeling of protein sequence and biophysical properties (such as structural, functional, and spatial information, amino acid conservation, physicochemical variation, residue mobility, and thermodynamic stability) performed at Invitae indicates that this missense variant is not expected to disrupt BRCA1 protein function with a negative predictive value of 95%. In summary, the available evidence is currently insufficient to determine the role of this variant in disease. Therefore, it has been classified as a Variant of Uncertain Significance.

Ambry Genetics
Classification: Uncertain significance for Hereditary cancer-predisposing syndrome. Last evaluated: 2023-05-05. Review status: criteria provided, single submitter. Criteria: Ambry Variant Classification Scheme 2023. Collection method: clinical testing. Allele origin: germline.
Comment: The p.P985S variant (also known as c.2953C>T), located in coding exon 9 of the BRCA1 gene, results from a C to T substitution at nucleotide position 2953. The proline at codon 985 is replaced by serine, an amino acid with similar properties. This amino acid position is conserved. In addition, the in silico prediction for this alteration is inconclusive. Since supporting evidence is limited at this time, the clinical significance of this alteration remains unclear.

University of Washington Department of Laboratory Medicine, University of Washington
Classification: Likely benign for Hereditary cancer-predisposing syndrome. Last evaluated: 2023-03-23. Review status: criteria provided, single submitter. Criteria: Dines et al. (Genet Med. 2020). Collection method: curation. Allele origin: germline.
Comment: Missense variant in a coldspot region where missense variants are very unlikely to be pathogenic (PMID:31911673).

BRCA1 coldspot (exon 11 using historical exon numbering). Reclassification based on statistical prior probability

Women's Health and Genetics/Laboratory Corporation of America, LabCorp
Classification: Uncertain significance. Last evaluated: 2017-01-03. Review status: criteria provided, single submitter. Criteria: LabCorp Variant Classification Summary - May 2015. Collection method: clinical testing. Allele origin: germline.
Comment: Variant summary: The BRCA1 c.2953C>T (p.Pro985Ser) variant involves the alteration of a non-conserved nucleotide. 4/5 in silico tools predict a damaging outcome for this variant. This variant is absent in 120922 control chromosomes. The variant of interest has not, to our knowledge, been reported in affected individuals via publications and/or reputable databases/clinical diagnostic laboratories; nor evaluated for functional impact by in vivo/vitro studies. Because of the absence of clinical information and the lack of functional studies, the variant is classified as a variant of uncertain significance (VUS) until additional information becomes available.

NM_007294.4(BRCA1):c.2953C>T (p.Pro985Ser)

Gene: BRCA1 (BRCA1 DNA repair associated; minus strand). Cytogenetic location: 17q21.31.
Variant type: single nucleotide variant.
Coding change: c.2953C>T on transcript NM_007294.4 (MANE Select); coding-DNA position 2953, C replaced by T.
Protein change: p.Pro985Ser; replaces proline 985 with serine.
Molecular consequence: missense variant. On other transcripts: intron variant (137).
Genome position (GRCh38, 1-based): chr17:43,092,578, G>A on the plus strand (C>T on the coding strand, the complement: BRCA1 is on the minus strand). VCF-style: chr17-43092578-G-A. GRCh37 (hg19) VCF-style: chr17-41244595-G-A.
Other names: c.2740C>T, p.Pro914Ser (NM_001407571.1, NM_001407853.1, NM_001407894.1 and 9 more transcripts); c.2953C>T, p.Pro985Ser (NM_001407581.1, NM_001407582.1, NM_001407583.1 and 30 more transcripts); c.2950C>T, p.Pro984Ser (NM_001407587.1, NM_001407590.1, NM_001407591.1 and 22 more transcripts); c.2944C>T, p.Pro982Ser (NM_001407646.1, NM_001407647.1); c.2830C>T, p.Pro944Ser (NM_001407648.1, NM_001407664.1, NM_001407665.1 and 19 more transcripts); c.2827C>T, p.Pro943Ser (NM_001407649.1, NM_001407670.1, NM_001407671.1 and 11 more transcripts); c.2875C>T, p.Pro959Ser (NM_001407653.1, NM_001407654.1, NM_001407655.1 and 4 more transcripts); c.2872C>T, p.Pro958Ser (NM_001407659.1, NM_001407660.1, NM_001407661.1 and 1 more transcripts); and 41 more; short protein forms P985S, P938S, P914S, P858S, P896S, P943S, P958S, P984S.
Identifiers: ClinVar variation 496360 (VCV000496360.11), dbSNP rs1555588649, ClinGen allele CA10596090.